The following is an entry in ClinVar:

NM_024422.6(DSC2):c.712_714del (p.Asp238del)

Gene: DSC2 (desmocollin 2; minus strand). Cytogenetic location: 18q12.1.
Variant type: Deletion.
Coding change: c.712_714del on transcript NM_024422.6 (MANE Select); coding-DNA positions 712 to 714, 3 bases deleted (GAT; older notation c.712_714delGAT).
Protein change: p.Asp238del; deletes aspartic acid 238.
Molecular consequence: inframe deletion.
Genome position (GRCh38, 1-based): chr18:31,087,730-31,087,732, ATC deleted on the plus strand (GAT on the coding strand, the reverse complement: DSC2 is on the minus strand); deleting any 3 consecutive bases within chr18:31,087,730-31,087,734 gives the same sequence; the c. name uses the placement nearest the transcript's 3' end. VCF-style (leftmost placement, unchanged base first): chr18-31087729-TATC-T. GRCh37 (hg19) VCF-style: chr18-28667692-TATC-T.
Other names: c.283_285del, p.Asp95del (NM_001406506.1, NM_001406507.1); c.712_714del, p.Asp238del (NM_004949.5); c.712_714delGAT (NM_024422.3); short protein forms D238del, D95del.
Identifiers: ClinVar variation 3071334 (VCV003071334.2), dbSNP rs765560490, ClinGen allele CA8924797.

ClinVar aggregate classification (germline): Uncertain significance. Review status: criteria provided, multiple submitters, no conflicts (2 of 4 stars). 2 submissions from 2 submitters: Uncertain significance (2). Last evaluated 2024-01-16.

Conditions:
Familial isolated arrhythmogenic right ventricular dysplasia. Identifiers: Orphanet 217656, MedGen C4274968, MONDO:0016342.
Cardiovascular phenotype. Identifiers: MedGen CN230736.

Submissions (2):

Ambry Genetics
Classification: Uncertain significance for Cardiovascular phenotype. Last evaluated: 2024-01-16. Review status: criteria provided, single submitter. Criteria: Ambry Variant Classification Scheme 2023. Collection method: clinical testing. Allele origin: germline.
Comment: The c.712_714delGAT variant (also known as p.D238del) is located in coding exon 6 of the DSC2 gene. This variant results from an in-frame GAT deletion at nucleotide positions 712 to 714. This results in the in-frame deletion of an aspartic acid at codon 238. This variant has been detected in the homozygous state in a proband with a clinical diagnosis of arrhythmogenic right ventricular cardiomyopathy with history of atrial septal defect closure and pulmonary valvuloplasty, while four heterozygous relatives were unaffected (Al-Sabeq B et al. Can J Cardiol, 2014 Jun;30:696.e1-3). This amino acid position is highly conserved in available vertebrate species. In addition, this alteration is predicted to be deleterious by in silico analysis (Choi Y et al. PLoS ONE. 2012; 7(10):e46688). Since supporting evidence is limited at this time, the clinical significance of this alteration remains unclear.

All of Us Research Program, National Institutes of Health
Classification: Uncertain significance for Familial isolated arrhythmogenic right ventricular dysplasia. Last evaluated: 2023-05-30. Review status: criteria provided, single submitter. Criteria: ACMG Guidelines, 2015. Collection method: clinical testing. Allele origin: germline. Inheritance: Autosomal dominant inheritance. Observed: 1 variant allele, 1 heterozygote.
Comment: This variant causes a deletion of aspartate at codon 238 in the DSC2 protein. To our knowledge, functional studies have not been reported for this variant. This variant has been reported in homozygous state in an individual affected with arrhythmogenic right ventricular cardiomyopathy and in heterozygous state in four family members who were clinically unaffected (PMID: 24793512). This variant has been identified in 2/251098 chromosomes in the general population by the Genome Aggregation Database (gnomAD). The available evidence is insufficient to determine the role of this variant in disease conclusively. Therefore, this variant is classified as a Variant of Uncertain Significance.

This study involves interpretation of variants in research participants for the purpose of population health screening. Participant phenotype was not available at the time of variant classification. Additional details can be found in publication PMID: 35346344, PMCID: PMC8962531

Literature cited by the submitters: PubMed 24793512 (cited by Ambry Genetics and All of Us Research Program, National Institutes of Health).